The following is an entry in ClinVar:

ClinVar aggregate classification (germline): Uncertain significance (1 of 4 stars; one submission).

Conditions:
Severe combined immunodeficiency due to IKK2 deficiency. Also called: Immunodeficiency 15; IMMUNODEFICIENCY 15B. Identifiers: Orphanet 397787, MedGen C4747743, MONDO:0014267, OMIM 615592.

Submission:

Labcorp Genetics (formerly Invitae), Labcorp
Classification: Uncertain significance for Severe combined immunodeficiency due to IKK2 deficiency. Last evaluated: 2025-06-29. Review status: criteria provided, single submitter. Criteria: Invitae Variant Classification Sherloc (09022015). Collection method: clinical testing. Allele origin: germline.
Comment: This variant, c.2241_2243del, results in the deletion of 1 amino acid(s) of the IKBKB protein (p.Glu748del), but otherwise preserves the integrity of the reading frame. This variant is present in population databases (rs774937660, gnomAD 0.006%). This variant has not been reported in the literature in individuals affected with IKBKB-related conditions. Experimental studies and prediction algorithms are not available or were not evaluated, and the functional significance of this variant is currently unknown. In summary, the available evidence is currently insufficient to determine the role of this variant in disease. Therefore, it has been classified as a Variant of Uncertain Significance.

NM_001556.3(IKBKB):c.2235AGA[2] (p.Glu748del)

Gene: IKBKB (inhibitor of nuclear factor kappa B kinase subunit beta; plus strand). Cytogenetic location: 8p11.21.
Variant type: Microsatellite.
Coding change: c.2235AGA[2] on transcript NM_001556.3 (MANE Select); two copies in a row of the 3-base unit AGA starting at c.2235; the reference has three copies in a row; one copy, 3 bases deleted.
Protein change: p.Glu748del; deletes glutamic acid 748.
Molecular consequence: inframe deletion. On other transcripts: non-coding transcript variant (3).
Genome position (GRCh38, 1-based): chr8:42,330,949-42,330,951, AGA deleted; deleting any 3 consecutive bases within chr8:42,330,941-42,330,951 gives the same sequence; the position shown is the placement nearest the transcript's 3' end. VCF-style (leftmost placement, unchanged base first): chr8-42330940-GGAA-G. GRCh37 (hg19) VCF-style: chr8-42188458-GGAA-G.
Other names: c.2043AGA[2], p.Glu684del (NM_001190720.3); c.2058AGA[2], p.Glu689del (NM_001242778.2); short protein forms E748del, E689del, E684del.
Identifiers: ClinVar variation 658185 (VCV000658185.4), dbSNP rs774937660, ClinGen allele CA4732235.